The following is an entry in ClinVar:

NM_002439.5(MSH3):c.298A>G (p.Lys100Glu)

Gene: MSH3 (mutS homolog 3; plus strand). Cytogenetic location: 5q14.1.
Variant type: single nucleotide variant.
Coding change: c.298A>G on transcript NM_002439.5 (MANE Select); coding-DNA position 298, A replaced by G.
Protein change: p.Lys100Glu; replaces lysine 100 with glutamic acid.
Molecular consequence: missense variant.
Genome position (GRCh38, 1-based): chr5:80,656,471, A>G. VCF-style: chr5-80656471-A-G. GRCh37 (hg19) VCF-style: chr5-79952290-A-G.
Other names: short protein forms K100E.
Identifiers: ClinVar variation 644426 (VCV000644426.15), dbSNP rs776286022, ClinGen allele CA3327559.

ClinVar aggregate classification (germline): Uncertain significance. Review status: criteria provided, multiple submitters, no conflicts (2 of 4 stars). 4 submissions from 4 submitters: Uncertain significance (4). Last evaluated 2025-08-11.

Conditions:
Hereditary cancer-predisposing syndrome. Also called: Neoplastic Syndromes, Hereditary; Tumor predisposition; Hereditary neoplastic syndrome; Hereditary Cancer Syndrome. Identifiers: Orphanet 140162, MedGen C0027672, MeSH D009386, MONDO:0015356.
Endometrial carcinoma. Also called: Endometrial carcinoma, somatic. Identifiers: MedGen C0476089, MONDO:0002447, OMIM 608089, HP:0012114.

Allele frequency attached by ClinVar (database versions not stated): gnomAD exomes below 0.00001; ExAC 0.00001; gnomAD 0.00002.
gnomAD v4.1: 5 of 1,614,112 alleles (0.00031%); highest among the groups gnomAD compares: African/African-American, 0.0067%; no homozygotes.

Submissions (4):

Labcorp Genetics (formerly Invitae), Labcorp
Classification: Uncertain significance. Last evaluated: 2025-08-11. Review status: criteria provided, single submitter. Criteria: Invitae Variant Classification Sherloc (09022015). Collection method: clinical testing. Allele origin: germline.
Comment: This sequence change replaces lysine, which is basic and polar, with glutamic acid, which is acidic and polar, at codon 100 of the MSH3 protein (p.Lys100Glu). This variant is present in population databases (rs776286022, gnomAD 0.01%). This variant has not been reported in the literature in individuals affected with MSH3-related conditions. ClinVar contains an entry for this variant (Variation ID: 644426). An algorithm developed to predict the effect of missense changes on protein structure and function (PolyPhen-2) suggests that this variant is likely to be tolerated. In summary, the available evidence is currently insufficient to determine the role of this variant in disease. Therefore, it has been classified as a Variant of Uncertain Significance.

Ambry Genetics
Classification: Uncertain significance for Hereditary cancer-predisposing syndrome. Last evaluated: 2025-03-13. Review status: criteria provided, single submitter. Criteria: Ambry Variant Classification Scheme 2023. Collection method: clinical testing. Allele origin: germline.
Comment: The p.K100E variant (also known as c.298A>G), located in coding exon 2 of the MSH3 gene, results from an A to G substitution at nucleotide position 298. The lysine at codon 100 is replaced by glutamic acid, an amino acid with similar properties. This amino acid position is not well conserved in available vertebrate species. In addition, the in silico prediction for this alteration is inconclusive. Based on the available evidence, the clinical significance of this variant remains unclear.

Baylor Genetics
Classification: Uncertain significance for Endometrial carcinoma. Last evaluated: 2023-08-20. Review status: criteria provided, single submitter. Criteria: ACMG Guidelines, 2015. Collection method: clinical testing. Allele origin: unknown.

GeneDx
Classification: Uncertain significance. Last evaluated: 2022-03-16. Review status: criteria provided, single submitter. Criteria: GeneDx Variant Classification Process June 2021. Collection method: clinical testing. Allele origin: germline. Affected: yes.
Comment: Not observed at significant frequency in large population cohorts (gnomAD); In silico analysis supports that this missense variant does not alter protein structure/function; Has not been previously published as pathogenic or benign to our knowledge; Variants in candidate genes are classified as variants of uncertain significance in accordance with ACMG guidelines (Richards 2015)